The following is an entry in ClinVar:

ClinVar aggregate classification (germline): Pathogenic (1 of 4 stars; one submission).

Submission:

GeneDx
Classification: Pathogenic. Last evaluated: 2018-01-24. Review status: criteria provided, single submitter. Criteria: GeneDx Variant Classification (06012015). Collection method: clinical testing. Allele origin: germline. Affected: yes.
Comment: The c.5dupG variant in the OPHN1 gene has not been reported previously as a pathogenic variant nor as a benign variant, to our knowledge. The c.5dupG variant causes a frameshift starting with codon Histidine 3, changes this amino acid to a Serine residue, and creates a premature Stop codon at position 24 of the new reading frame, denoted p.His3SerfsX24. This variant is predicted to cause loss of normal protein function either through protein truncation or nonsense-mediated mRNA decay. The c.5dupG variant is not observed in large population cohorts (Lek et al., 2016). We interpret c.5dupG as a pathogenic variant.

NM_002547.3(OPHN1):c.5dup (p.His3fs)

Gene: OPHN1 (oligophrenin 1; minus strand). Cytogenetic location: Xq12.
Variant type: Duplication.
Coding change: c.5dup on transcript NM_002547.3 (MANE Select); coding-DNA position 5, one base duplicated (G; older notation c.5dupG).
Protein change: p.His3fs; shifts the reading frame from histidine 3.
Molecular consequence: frameshift variant, initiator codon variant.
Genome position (GRCh38, 1-based): chrX:68,433,016, C duplicated on the plus strand (G on the coding strand, the reverse complement: OPHN1 is on the minus strand); the first of 3 consecutive C bases (chrX:68,433,016-68,433,018); duplicating any one gives the same sequence. VCF-style (leftmost placement, unchanged base first): chrX-68433015-A-AC. GRCh37 (hg19) VCF-style: chrX-67652857-A-AC.
Other names: c.5dupG (NM_002547.2); short protein forms H3fs.
Identifiers: ClinVar variation 504169 (VCV000504169.3), dbSNP rs1555988317, ClinGen allele CA658799767.